The following is an entry in ClinVar:

NR_001564.3(XIST):n.9889T>C

Gene: XIST (X inactive specific transcript; minus strand). Cytogenetic location: Xq13.2.
Variant type: single nucleotide variant.
Genome position: GRCh38 VCF-style: chrX-73842826-A-G. GRCh37 (hg19) VCF-style: chrX-73062661-A-G.
Identifiers: ClinVar variation 3039258 (VCV003039258.2), dbSNP rs61741568, ClinGen allele CA10452721.

ClinVar aggregate classification (germline): Benign (0 of 4 stars; one submission).

Conditions:
XIST-related disorder. Also called: XIST-related condition.

Allele frequency attached by ClinVar (database versions not stated): gnomAD exomes 0.00798; ExAC 0.01526; gnomAD 0.04412; ESP Exome Variant Server 0.04796; 1000 Genomes Project 0.05086; TOPMed 0.05091; 1000 Genomes Project 30x 0.05598.
gnomAD v4.1: 8,570 of 556,416 alleles (1.5%); highest among the groups gnomAD compares: African/African-American, 15%; 388 homozygotes.

Submission:

PreventionGenetics, part of Exact Sciences
Classification: Benign for XIST-related condition. Last evaluated: 2020-01-20. Review status: no assertion criteria provided. Collection method: clinical testing. Allele origin: germline.
Comment: This variant is classified as benign based on ACMG/AMP sequence variant interpretation guidelines (Richards et al. 2015 PMID: 25741868, with internal and published modifications).